The following is an entry in ClinVar:

NM_000361.3(THBD):c.1079G>A (p.Gly360Asp)

Gene: THBD (thrombomodulin; minus strand). Cytogenetic location: 20p11.21.
Variant type: single nucleotide variant.
Coding change: c.1079G>A on transcript NM_000361.3 (MANE Select); coding-DNA position 1079, G replaced by A.
Protein change: p.Gly360Asp; replaces glycine 360 with aspartic acid.
Molecular consequence: missense variant.
Genome position (GRCh38, 1-based): chr20:23,048,426, C>T on the plus strand (G>A on the coding strand, the complement: THBD is on the minus strand). VCF-style: chr20-23048426-C-T. GRCh37 (hg19) VCF-style: chr20-23029063-C-T.
Other names: short protein forms G360D.
Identifiers: ClinVar variation 3608217 (VCV003608217.2).

ClinVar aggregate classification (germline): Uncertain significance (1 of 4 stars; one submission).

Submission:

Labcorp Genetics (formerly Invitae), Labcorp
Classification: Uncertain significance. Last evaluated: 2024-01-31. Review status: criteria provided, single submitter. Criteria: Invitae Variant Classification Sherloc (09022015). Collection method: clinical testing. Allele origin: germline.
Comment: This sequence change replaces glycine, which is neutral and non-polar, with aspartic acid, which is acidic and polar, at codon 360 of the THBD protein (p.Gly360Asp). This variant is not present in population databases (gnomAD no frequency). This variant has not been reported in the literature in individuals affected with THBD-related conditions. Advanced modeling of protein sequence and biophysical properties (such as structural, functional, and spatial information, amino acid conservation, physicochemical variation, residue mobility, and thermodynamic stability) performed at Invitae indicates that this missense variant is not expected to disrupt THBD protein function with a negative predictive value of 80%. In summary, the available evidence is currently insufficient to determine the role of this variant in disease. Therefore, it has been classified as a Variant of Uncertain Significance.